The following is an entry in ClinVar:

ClinVar aggregate classification (germline): Uncertain significance (1 of 4 stars; one submission).

Conditions:
Autosomal recessive severe congenital neutropenia due to CSF3R deficiency. Also called: Neutropenia, severe congenital, 7, autosomal recessive. Identifiers: Orphanet 420702, MedGen C4310764, MONDO:0014865, OMIM 617014.

Submission:

Labcorp Genetics (formerly Invitae), Labcorp
Classification: Uncertain significance for Autosomal recessive severe congenital neutropenia due to CSF3R deficiency. Last evaluated: 2025-12-30. Review status: criteria provided, single submitter. Criteria: Invitae Variant Classification Sherloc (09022015). Collection method: clinical testing. Allele origin: germline.
Comment: This sequence change replaces proline, which is neutral and non-polar, with threonine, which is neutral and polar, at codon 665 of the CSF3R protein (p.Pro665Thr). This variant is not present in population databases (gnomAD no frequency). This variant has not been reported in the literature in individuals affected with CSF3R-related conditions. Invitae Evidence Modeling of protein sequence and biophysical properties (such as structural, functional, and spatial information, amino acid conservation, physicochemical variation, residue mobility, and thermodynamic stability) indicates that this missense variant is expected to disrupt CSF3R protein function with a positive predictive value of 80%. In summary, the available evidence is currently insufficient to determine the role of this variant in disease. Therefore, it has been classified as a Variant of Uncertain Significance.

NM_000760.4(CSF3R):c.1993C>A (p.Pro665Thr)

Gene: CSF3R (colony stimulating factor 3 receptor; minus strand). Cytogenetic location: 1p34.3.
Variant type: single nucleotide variant.
Coding change: c.1993C>A on transcript NM_000760.4 (MANE Select); coding-DNA position 1993, C replaced by A.
Protein change: p.Pro665Thr; replaces proline 665 with threonine.
Molecular consequence: missense variant.
Genome position (GRCh38, 1-based): chr1:36,467,277, G>T on the plus strand (C>A on the coding strand, the complement: CSF3R is on the minus strand). VCF-style: chr1-36467277-G-T. GRCh37 (hg19) VCF-style: chr1-36932878-G-T.
Other names: c.1993C>A, p.Pro665Thr (NM_156039.3, NM_172313.3); short protein forms P665T.
Identifiers: ClinVar variation 4745753 (VCV004745753.1).